The following is an entry in ClinVar:

NM_001048174.2(MUTYH):c.1029C>T (p.Ser343=)

Gene: MUTYH (mutY DNA glycosylase; minus strand). Cytogenetic location: 1p34.1.
Variant type: single nucleotide variant.
Coding change: c.1029C>T on transcript NM_001048174.2 (MANE Select); coding-DNA position 1029, C replaced by T.
Protein change: p.Ser343=; no amino-acid change (serine 343 retained).
Molecular consequence: synonymous variant. On other transcripts: non-coding transcript variant (7).
Genome position (GRCh38, 1-based): chr1:45,331,734, G>A on the plus strand (C>T on the coding strand, the complement: MUTYH is on the minus strand). VCF-style: chr1-45331734-G-A. GRCh37 (hg19) VCF-style: chr1-45797406-G-A.
Other names: c.1074C>T, p.Ser358= (NM_001293190.2); c.1062C>T, p.Ser354= (NM_001293191.2, NM_001407069.1, NM_001407077.1); c.753C>T, p.Ser251= (NM_001293192.2, NM_001293196.2, NM_001407091.1); c.1029C>T, p.Ser343= (NM_001293195.2, NM_001407070.1, NM_001407072.1 and 6 more transcripts); c.684C>T, p.Ser228= (NM_001350650.2, NM_001350651.2, NM_001407082.1); c.1032C>T, p.Ser344= (NM_001407071.1, NM_001407078.1, NM_001048172.2 and 1 more transcripts); c.945C>T, p.Ser315= (NM_001407075.1); c.990C>T, p.Ser330= (NM_001407079.1); and 5 more.
Identifiers: ClinVar variation 3387079 (VCV003387079.3).
Genomic context (GRCh38, chr1:45,331,734, plus strand): 5'-CTGCACCAGCAGAATTTGGGCCCCAAGGGCCCCAGGCTGTTCCAGAACACAGGTGGCAGA[G>A]CTCTCCTCCCTGGGGGGCTTGCGGCTGGCCTTTCTGGGGAAGTTGACCACTCCCAGGGTC-3'
Protein context (NP_001041639.1, residues 333-353): KASRKPPREE[Ser343=]SATCVLEQPG

ClinVar aggregate classification (germline): Likely benign. Review status: criteria provided, multiple submitters, no conflicts (2 of 4 stars). 2 submissions from 2 submitters: Likely benign (2). Last evaluated 2024-11-19.

Conditions:
Familial adenomatous polyposis 2. Also called: MUTYH Polyposis; COLORECTAL ADENOMATOUS POLYPOSIS, AUTOSOMAL RECESSIVE; ADENOMAS, MULTIPLE COLORECTAL, AUTOSOMAL RECESSIVE; MYH-associated polyposis; MUTYH-associated polyposis; MUTYH-related attenuated familial adenomatous polyposis. Identifiers: Orphanet 220460, Orphanet 247798, MedGen C3272841, MONDO:0012041, OMIM 608456.

Submissions (2):

Labcorp Genetics (formerly Invitae), Labcorp
Classification: Likely benign for Familial adenomatous polyposis 2. Last evaluated: 2024-11-19. Review status: criteria provided, single submitter. Criteria: Invitae Variant Classification Sherloc (09022015). Collection method: clinical testing. Allele origin: germline.

All of Us Research Program, National Institutes of Health
Classification: Likely benign for Familial adenomatous polyposis 2. Last evaluated: 2024-04-16. Review status: criteria provided, single submitter. Criteria: ACMG Guidelines, 2015. Collection method: clinical testing. Allele origin: germline. Inheritance: Autosomal recessive inheritance. Observed: 1 variant allele, 1 heterozygote.
Comment: This study involves interpretation of variants in research participants for the purpose of population health screening. Participant phenotype was not available at the time of variant classification. Additional details can be found in publication PMID: 35346344, PMCID: PMC8962531